The following is an entry in ClinVar:

NM_001394062.1(MACF1):c.18346G>A (p.Ala6116Thr)

Gene: MACF1 (microtubule actin crosslinking factor 1; plus strand). Cytogenetic location: 1p34.3.
Variant type: single nucleotide variant.
Coding change: c.18346G>A on transcript NM_001394062.1 (MANE Select); coding-DNA position 18346, G replaced by A.
Protein change: p.Ala6116Thr; replaces alanine 6116 with threonine.
Molecular consequence: missense variant.
Genome position (GRCh38, 1-based): chr1:39,439,399, G>A. VCF-style: chr1-39439399-G-A. GRCh37 (hg19) VCF-style: chr1-39905071-G-A.
Other names: c.6424G>A, p.Ala2142Thr (NM_001397473.1); c.12169G>A, p.Ala4057Thr (NM_012090.5); short protein forms A2142T, A6116T, A4057T.
Identifiers: ClinVar variation 2243571 (VCV002243571.3), dbSNP rs552878564, ClinGen allele CA783862.

ClinVar aggregate classification (germline): Likely benign. Review status: criteria provided, single submitter (1 of 4 stars). 2 submissions from 2 submitters: Likely benign (1). 1 of the submissions does not count toward it. Last evaluated 2021-08-12.

Conditions:
Inborn genetic diseases. Identifiers: MedGen C0950123, MeSH D030342.
MACF1-related disorder. Also called: MACF1-related condition.

Allele frequency attached by ClinVar (database versions not stated): gnomAD 0.00001; gnomAD exomes 0.00005; ExAC 0.00007; 1000 Genomes Project 30x 0.00016; 1000 Genomes Project 0.00020.
gnomAD v4.1: 75 of 1,614,070 alleles (0.0046%); highest among the groups gnomAD compares: South Asian, 0.082%; 1 homozygote.

Submissions (2):

Ambry Genetics
Classification: Likely benign for Inborn genetic diseases. Last evaluated: 2021-08-12. Review status: criteria provided, single submitter. Criteria: Ambry Variant Classification Scheme 2023. Collection method: clinical testing. Allele origin: germline.

PreventionGenetics, part of Exact Sciences
Classification: Likely benign for MACF1-related condition. Last evaluated: 2024-04-02. Review status: no assertion criteria provided. Collection method: clinical testing. Allele origin: germline. Not counted in ClinVar's aggregate classification.
Comment: This variant is classified as likely benign based on ACMG/AMP sequence variant interpretation guidelines (Richards et al. 2015 PMID: 25741868, with internal and published modifications).